The following is an entry in ClinVar:

NM_014797.3(ZBTB24):c.377_378del (p.Thr126fs)

Gene: ZBTB24 (zinc finger and BTB domain containing 24; minus strand). Cytogenetic location: 6q21.
Variant type: Microsatellite.
Coding change: c.377_378del on transcript NM_014797.3 (MANE Select); coding-DNA positions 377 to 378, 2 bases deleted (CA; older notation c.377_378delCA).
Protein change: p.Thr126fs; shifts the reading frame from threonine 126.
Molecular consequence: frameshift variant.
Genome position (GRCh38, 1-based): chr6:109,481,649-109,481,650, TG deleted on the plus strand (CA on the coding strand, the reverse complement: ZBTB24 is on the minus strand); deleting any 2 consecutive bases within chr6:109,481,649-109,481,653 gives the same sequence; the c. name uses the placement nearest the transcript's 3' end. VCF-style (leftmost placement, unchanged base first): chr6-109481648-CTG-C. GRCh37 (hg19) VCF-style: chr6-109802851-CTG-C.
Other names: c.377_378del, p.Thr126fs (NM_001164313.2); short protein forms T126fs.
Identifiers: ClinVar variation 2703195 (VCV002703195.3), dbSNP rs2482882661, ClinGen allele CA2697553637.

ClinVar aggregate classification (germline): Pathogenic (1 of 4 stars; one submission).

Conditions:
Immunodeficiency-centromeric instability-facial anomalies syndrome 2 (ICF2). Identifiers: Orphanet 2268, MedGen C3279748, MONDO:0013553, OMIM 614069.

Submission:

Labcorp Genetics (formerly Invitae), Labcorp
Classification: Pathogenic for Immunodeficiency-centromeric instability-facial anomalies syndrome 2. Last evaluated: 2023-12-14. Review status: criteria provided, single submitter. Criteria: Invitae Variant Classification Sherloc (09022015). Collection method: clinical testing. Allele origin: germline.
Comment: This sequence change creates a premature translational stop signal (p.Thr126Argfs*5) in the ZBTB24 gene. It is expected to result in an absent or disrupted protein product. Loss-of-function variants in ZBTB24 are known to be pathogenic (PMID: 21596365). This variant is not present in population databases (gnomAD no frequency). This variant has not been reported in the literature in individuals affected with ZBTB24-related conditions. For these reasons, this variant has been classified as Pathogenic.

Literature cited by the submitters: PubMed 21596365.